The following is an entry in ClinVar:

ClinVar aggregate classification (germline): Uncertain significance (1 of 4 stars; one submission).

Conditions:
Neuroblastoma, susceptibility to, 3. Also called: ALK-Related Neuroblastic Tumor Susceptibility. Identifiers: Orphanet 635, MedGen C2751681, MONDO:0013083, OMIM 613014.

Submission:

Labcorp Genetics (formerly Invitae), Labcorp
Classification: Uncertain significance for Neuroblastoma, susceptibility to, 3. Last evaluated: 2024-10-03. Review status: criteria provided, single submitter. Criteria: Invitae Variant Classification Sherloc (09022015). Collection method: clinical testing. Allele origin: germline.
Comment: This sequence change falls in intron 28 of the ALK gene. It does not directly change the encoded amino acid sequence of the ALK protein. It affects a nucleotide within the consensus splice site. This variant is not present in population databases (gnomAD no frequency). This variant has not been reported in the literature in individuals affected with ALK-related conditions. Variants that disrupt the consensus splice site are a relatively common cause of aberrant splicing (PMID: 17576681, 9536098). Algorithms developed to predict the effect of sequence changes on RNA splicing suggest that this variant is not likely to affect RNA splicing. In summary, the available evidence is currently insufficient to determine the role of this variant in disease. Therefore, it has been classified as a Variant of Uncertain Significance.

Literature cited by the submitters: PubMed 17576681; PubMed 9536098.

NM_004304.5(ALK):c.4164+6A>G

Gene: ALK (ALK receptor tyrosine kinase; minus strand). Cytogenetic location: 2p23.2.
Variant type: single nucleotide variant.
Coding change: c.4164+6A>G on transcript NM_004304.5 (MANE Select); 6 bases into the intron after coding-DNA position 4164, A replaced by G.
Molecular consequence: intron variant.
Genome position (GRCh38, 1-based): chr2:29,196,764, T>C on the plus strand (A>G on the coding strand, the complement: ALK is on the minus strand). VCF-style: chr2-29196764-T-C. GRCh37 (hg19) VCF-style: chr2-29419630-T-C.
Other names: c.960+6A>G (NM_001353765.2).
Identifiers: ClinVar variation 3722168 (VCV003722168.2).